The following is an entry in ClinVar:

NM_000124.4(ERCC6):c.3811A>G (p.Ile1271Val)

Gene: ERCC6 (ERCC excision repair 6, chromatin remodeling factor; minus strand). Cytogenetic location: 10q11.23.
Variant type: single nucleotide variant.
Coding change: c.3811A>G on transcript NM_000124.4 (MANE Select); coding-DNA position 3811, A replaced by G.
Protein change: p.Ile1271Val; replaces isoleucine 1271 with valine.
Molecular consequence: missense variant.
Genome position (GRCh38, 1-based): chr10:49,461,524, T>C on the plus strand (A>G on the coding strand, the complement: ERCC6 is on the minus strand). VCF-style: chr10-49461524-T-C. GRCh37 (hg19) VCF-style: chr10-50669570-T-C.
Other names: c.3811A>G, p.Ile1271Val (NM_001346440.2); short protein forms I1271V.
Identifiers: ClinVar variation 2061105 (VCV002061105.3), dbSNP rs369634749, ClinGen allele CA5495258.

ClinVar aggregate classification (germline): Uncertain significance. Review status: criteria provided, multiple submitters, no conflicts (2 of 4 stars). 2 submissions from 2 submitters: Uncertain significance (2). Last evaluated 2023-06-12.

Conditions:
Inborn genetic diseases. Identifiers: MedGen C0950123, MeSH D030342.

Allele frequency attached by ClinVar (database versions not stated): ExAC 0.00001; gnomAD 0.00001; TOPMed 0.00001; ESP Exome Variant Server 0.00008.
gnomAD v4.1: 48 of 1,613,988 alleles (0.003%); highest among the groups gnomAD compares: Non-Finnish European, 0.0038%; no homozygotes.

Submissions (2):

Ambry Genetics
Classification: Uncertain significance for Inborn genetic diseases. Last evaluated: 2023-06-12. Review status: criteria provided, single submitter. Criteria: Ambry Variant Classification Scheme 2023. Collection method: clinical testing. Allele origin: germline.

Labcorp Genetics (formerly Invitae), Labcorp
Classification: Uncertain significance. Last evaluated: 2021-12-18. Review status: criteria provided, single submitter. Criteria: Invitae Variant Classification Sherloc (09022015). Collection method: clinical testing. Allele origin: germline.
Comment: This sequence change replaces isoleucine, which is neutral and non-polar, with valine, which is neutral and non-polar, at codon 1271 of the ERCC6 protein (p.Ile1271Val). This variant is present in population databases (rs369634749, gnomAD 0.0009%). This variant has not been reported in the literature in individuals affected with ERCC6-related conditions. Algorithms developed to predict the effect of missense changes on protein structure and function (SIFT, PolyPhen-2, Align-GVGD) all suggest that this variant is likely to be disruptive. In summary, the available evidence is currently insufficient to determine the role of this variant in disease. Therefore, it has been classified as a Variant of Uncertain Significance.